The following is an entry in ClinVar:

NM_002160.4(TNC):c.1558G>A (p.Asp520Asn)

Gene: TNC (tenascin C; minus strand). Cytogenetic location: 9q33.1.
Variant type: single nucleotide variant.
Coding change: c.1558G>A on transcript NM_002160.4 (MANE Select); coding-DNA position 1558, G replaced by A.
Protein change: p.Asp520Asn; replaces aspartic acid 520 with asparagine.
Molecular consequence: missense variant.
Genome position (GRCh38, 1-based): chr9:115,086,173, C>T on the plus strand (G>A on the coding strand, the complement: TNC is on the minus strand). VCF-style: chr9-115086173-C-T. GRCh37 (hg19) VCF-style: chr9-117848452-C-T.
Other names: c.1558G>A, p.Asp520Asn (NM_001410991.1); short protein forms D520N.
Identifiers: ClinVar variation 2635691 (VCV002635691.1), dbSNP rs772662887, ClinGen allele CA5208783.

ClinVar aggregate classification (germline): Uncertain significance (1 of 4 stars; one submission).

Conditions:
TNC-related disorder. Also called: TNC-related condition.

Allele frequency attached by ClinVar (database versions not stated): ExAC 0.00003.
gnomAD v4.1: 6 of 1,614,046 alleles (0.00037%); highest among the groups gnomAD compares: Admixed American, 0.0083%; no homozygotes.

Submission:

PreventionGenetics, part of Exact Sciences
Classification: Uncertain significance for TNC-related condition. Last evaluated: 2022-11-18. Review status: criteria provided, single submitter. Criteria: ACMG Guidelines, 2015. Collection method: clinical testing. Allele origin: germline.
Comment: The TNC c.1558G>A variant is predicted to result in the amino acid substitution p.Asp520Asn. To our knowledge, this variant has not been reported in the literature. This variant is reported in 0.014% of alleles in individuals of Latino descent in gnomAD. At this time, the clinical significance of this variant is uncertain due to the absence of conclusive functional and genetic evidence.